The following is an entry in ClinVar:

ClinVar aggregate classification (germline): Uncertain significance (1 of 4 stars; one submission).

Allele frequency attached by ClinVar (database versions not stated): TOPMed below 0.00001; gnomAD 0.00001.
gnomAD v4.1: 1 of 1,613,686 alleles (0.000062%); highest among the groups gnomAD compares: East Asian, 0.0022%; no homozygotes.

Submission:

Labcorp Genetics (formerly Invitae), Labcorp
Classification: Uncertain significance. Last evaluated: 2022-01-15. Review status: criteria provided, single submitter. Criteria: Invitae Variant Classification Sherloc (09022015). Collection method: clinical testing. Allele origin: germline.
Comment: This variant is not present in population databases (gnomAD no frequency). In summary, the available evidence is currently insufficient to determine the role of this variant in disease. Therefore, it has been classified as a Variant of Uncertain Significance. Algorithms developed to predict the effect of missense changes on protein structure and function output the following: SIFT: "Tolerated"; PolyPhen-2: "Benign"; Align-GVGD: "Class C0". The alanine amino acid residue is found in multiple mammalian species, which suggests that this missense change does not adversely affect protein function. ClinVar contains an entry for this variant (Variation ID: 1002280). This variant has not been reported in the literature in individuals affected with KIAA1549-related conditions. This sequence change replaces threonine, which is neutral and polar, with alanine, which is neutral and non-polar, at codon 317 of the KIAA1549 protein (p.Thr317Ala).

NM_001164665.2(KIAA1549):c.949A>G (p.Thr317Ala)

Gene: KIAA1549 (KIAA1549; minus strand). Cytogenetic location: 7q34.
Variant type: single nucleotide variant.
Coding change: c.949A>G on transcript NM_001164665.2 (MANE Select); coding-DNA position 949, A replaced by G.
Protein change: p.Thr317Ala; replaces threonine 317 with alanine.
Molecular consequence: missense variant.
Genome position (GRCh38, 1-based): chr7:138,918,677, T>C on the plus strand (A>G on the coding strand, the complement: KIAA1549 is on the minus strand). VCF-style: chr7-138918677-T-C. GRCh37 (hg19) VCF-style: chr7-138603423-T-C.
Other names: c.949A>G, p.Thr317Ala (NM_020910.3); short protein forms T317A.
Identifiers: ClinVar variation 1002280 (VCV001002280.8), dbSNP rs1341082936, ClinGen allele CA369401111.